The following is an entry in ClinVar:

NM_004380.3(CREBBP):c.4992C>T (p.Arg1664=)

Gene: CREBBP (CREB binding lysine acetyltransferase; minus strand). Cytogenetic location: 16p13.3.
Variant type: single nucleotide variant.
Coding change: c.4992C>T on transcript NM_004380.3 (MANE Select); coding-DNA position 4992, C replaced by T.
Protein change: p.Arg1664=; no amino-acid change (arginine 1664 retained).
Molecular consequence: synonymous variant.
Genome position (GRCh38, 1-based): chr16:3,731,372, G>A on the plus strand (C>T on the coding strand, the complement: CREBBP is on the minus strand). VCF-style: chr16-3731372-G-A. GRCh37 (hg19) VCF-style: chr16-3781373-G-A.
Other names: c.4878C>T, p.Arg1626= (NM_001079846.1).
Identifiers: ClinVar variation 703156 (VCV000703156.16), dbSNP rs756979739, ClinGen allele CA7869365.
Genomic context (GRCh38, chr16:3,731,372, plus strand): 5'-GGAGCGGCGCAAGGAGGAGAACTCCCAGTGCTTGTCTCTGGCGAGGGTGAGGAAGGCGTC[G>A]CGCCCATCCATGAGGTCACAGCTGAGCAGGGGGTCGGGGTCGACGATGGGGGGCAGGGTG-3'
Protein context (NP_004371.2, residues 1654-1674): PLLSCDLMDG[Arg1664=]DAFLTLARDK

ClinVar aggregate classification (germline): Benign/Likely benign. Review status: criteria provided, multiple submitters, no conflicts (2 of 4 stars). 6 submissions from 6 submitters: Benign (2); Likely benign (3). 1 of the submissions does not count toward it. Last evaluated 2026-04-28.

Conditions:
CREBBP-related disorder. Also called: CREBBP-related condition; CREBBP-related disorders.
Rubinstein-Taybi syndrome (RSTS). Identifiers: Orphanet 783, MedGen C0035934, MONDO:0019188.
Menke-Hennekam syndrome 1 (MKHK1). Identifiers: MedGen C5193034, MONDO:0020763, OMIM 618332.
Rubinstein-Taybi syndrome due to CREBBP mutations (RSTS1). Also called: Rubinstein-Taybi syndrome 1; CREBBP-Related Rubinstein-Taybi Syndrome; RUBINSTEIN-TAYBI SYNDROME 1, INCOMPLETE; BROAD THUMB-HALLUX SYNDROME; RUBINSTEIN SYNDROME; BROAD THUMBS AND GREAT TOES, CHARACTERISTIC FACIES, AND IMPAIRED INTELLECTUAL DEVELOPMENT. Identifiers: Orphanet 353277, Orphanet 783, MedGen C4551859, MONDO:0008393, OMIM 180849.

Allele frequency attached by ClinVar (database versions not stated): gnomAD 0.00001; TOPMed 0.00002; ExAC 0.00020.
gnomAD v4.1: 77 of 1,612,532 alleles (0.0048%); highest among the groups gnomAD compares: Admixed American, 0.084%; no homozygotes.

Submissions (6):

Women's Health and Genetics/Laboratory Corporation of America, LabCorp
Classification: Likely benign. Last evaluated: 2026-04-28. Review status: criteria provided, single submitter. Criteria: LabCorp Variant Classification Summary - May 2015. Collection method: clinical testing. Allele origin: germline.

Labcorp Genetics (formerly Invitae), Labcorp
Classification: Benign for Rubinstein-Taybi syndrome. Last evaluated: 2025-11-12. Review status: criteria provided, single submitter. Criteria: Invitae Variant Classification Sherloc (09022015). Collection method: clinical testing. Allele origin: germline.

Blueprint Genetics
Classification: Likely benign. Last evaluated: 2024-02-16. Review status: criteria provided, single submitter. Criteria: ACMG Guidelines, 2015. Collection method: clinical testing. Allele origin: germline.

Fulgent Genetics
Classification: Likely benign for Rubinstein-Taybi syndrome due to CREBBP mutations; Menke-Hennekam syndrome 1. Last evaluated: 2021-09-30. Review status: criteria provided, single submitter. Criteria: ACMG Guidelines, 2015. Collection method: clinical testing. Allele origin: unknown.

GeneDx
Classification: Benign. Last evaluated: 2021-01-12. Review status: criteria provided, single submitter. Criteria: GeneDx Variant Classification Process June 2021. Collection method: clinical testing. Allele origin: germline. Affected: yes.

PreventionGenetics, part of Exact Sciences
Classification: Likely benign for CREBBP-related condition. Last evaluated: 2021-06-01. Review status: no assertion criteria provided. Collection method: clinical testing. Allele origin: germline. Not counted in ClinVar's aggregate classification.
Comment: This variant is classified as likely benign based on ACMG/AMP sequence variant interpretation guidelines (Richards et al. 2015 PMID: 25741868, with internal and published modifications).